The following is an entry in ClinVar:

NM_005557.4(KRT16):c.429C>T (p.Ala143=)

Gene: KRT16 (keratin 16; minus strand). Cytogenetic location: 17q21.2.
Variant type: single nucleotide variant.
Coding change: c.429C>T on transcript NM_005557.4 (MANE Select); coding-DNA position 429, C replaced by T.
Protein change: p.Ala143=; no amino-acid change (alanine 143 retained).
Molecular consequence: synonymous variant.
Genome position (GRCh38, 1-based): chr17:41,612,260, G>A on the plus strand (C>T on the coding strand, the complement: KRT16 is on the minus strand). VCF-style: chr17-41612260-G-A. GRCh37 (hg19) VCF-style: chr17-39768512-G-A.
Identifiers: ClinVar variation 3050827 (VCV003050827.4), dbSNP rs754813514, ClinGen allele CA8563272.

ClinVar aggregate classification (germline): Likely benign. Review status: criteria provided, single submitter (1 of 4 stars). 2 submissions from 2 submitters: Likely benign (1). 1 of the submissions does not count toward it. Last evaluated 2024-06-21.

Conditions:
KRT16-related disorder. Also called: KRT16-related condition.

Allele frequency attached by ClinVar (database versions not stated): gnomAD 0.00002; TOPMed 0.00002; gnomAD exomes 0.00003; ExAC 0.00006.

Submissions (2):

Labcorp Genetics (formerly Invitae), Labcorp
Classification: Likely benign. Last evaluated: 2024-06-21. Review status: criteria provided, single submitter. Criteria: Invitae Variant Classification Sherloc (09022015). Collection method: clinical testing. Allele origin: germline.

PreventionGenetics, part of Exact Sciences
Classification: Likely benign for KRT16-related condition. Last evaluated: 2019-07-17. Review status: no assertion criteria provided. Collection method: clinical testing. Allele origin: germline. Not counted in ClinVar's aggregate classification.
Comment: This variant is classified as likely benign based on ACMG/AMP sequence variant interpretation guidelines (Richards et al. 2015 PMID: 25741868, with internal and published modifications).